The following is an entry in ClinVar:

ClinVar aggregate classification (germline): Uncertain significance (1 of 4 stars; one submission).

Allele frequency attached by ClinVar (database versions not stated): gnomAD exomes below 0.00001; TOPMed 0.00001.
gnomAD v4.1: 5 of 1,600,302 alleles (0.00031%); highest among the groups gnomAD compares: Non-Finnish European, 0.00043%; no homozygotes.

Submission:

Labcorp Genetics (formerly Invitae), Labcorp
Classification: Uncertain significance. Last evaluated: 2025-01-15. Review status: criteria provided, single submitter. Criteria: Invitae Variant Classification Sherloc (09022015). Collection method: clinical testing. Allele origin: germline.
Comment: This sequence change replaces lysine, which is basic and polar, with arginine, which is basic and polar, at codon 136 of the SLC12A2 protein (p.Lys136Arg). This variant is not present in population databases (gnomAD no frequency). This variant has not been reported in the literature in individuals affected with SLC12A2-related conditions. ClinVar contains an entry for this variant (Variation ID: 1947836). Invitae Evidence Modeling of protein sequence and biophysical properties (such as structural, functional, and spatial information, amino acid conservation, physicochemical variation, residue mobility, and thermodynamic stability) indicates that this missense variant is not expected to disrupt SLC12A2 protein function with a negative predictive value of 95%. In summary, the available evidence is currently insufficient to determine the role of this variant in disease. Therefore, it has been classified as a Variant of Uncertain Significance.

NM_001046.3(SLC12A2):c.407A>G (p.Lys136Arg)

Gene: SLC12A2 (solute carrier family 12 member 2; plus strand). Cytogenetic location: 5q23.3.
Variant type: single nucleotide variant.
Coding change: c.407A>G on transcript NM_001046.3 (MANE Select); coding-DNA position 407, A replaced by G.
Protein change: p.Lys136Arg; replaces lysine 136 with arginine.
Molecular consequence: missense variant. On other transcripts: non-coding transcript variant (1).
Genome position (GRCh38, 1-based): chr5:128,084,361, A>G. VCF-style: chr5-128084361-A-G. GRCh37 (hg19) VCF-style: chr5-127420053-A-G.
Other names: c.407A>G, p.Lys136Arg (NM_001256461.2); short protein forms K136R.
Identifiers: ClinVar variation 1947836 (VCV001947836.5), dbSNP rs1282908410, ClinGen allele CA360736434.